The following is an entry in ClinVar:

ClinVar aggregate classification (germline): Uncertain significance. Review status: criteria provided, multiple submitters, no conflicts (2 of 4 stars). 2 submissions from 2 submitters: Uncertain significance (2). Last evaluated 2025-03-26.

Conditions:
Inborn genetic diseases. Identifiers: MedGen C0950123, MeSH D030342.
Mosaic variegated aneuploidy syndrome 2 (MVA2). Identifiers: Orphanet 1052, MedGen C3279843, MONDO:0013582, OMIM 614114.

gnomAD v4.1: 3 of 1,614,098 alleles (0.00019%); highest among the groups gnomAD compares: Non-Finnish European, 0.00025%; no homozygotes.

Submissions (2):

Ambry Genetics
Classification: Uncertain significance for Inborn genetic diseases. Last evaluated: 2025-03-26. Review status: criteria provided, single submitter. Criteria: Ambry Variant Classification Scheme 2023. Collection method: clinical testing. Allele origin: germline.
Comment: The p.K319N variant (also known as c.957A>C), located in coding exon 9 of the CEP57 gene, results from an A to C substitution at nucleotide position 957. The lysine at codon 319 is replaced by asparagine, an amino acid with similar properties. This amino acid position is conserved. In addition, this alteration is predicted to be tolerated by in silico analysis. Based on the available evidence, the clinical significance of this variant remains unclear.

Labcorp Genetics (formerly Invitae), Labcorp
Classification: Uncertain significance for Mosaic variegated aneuploidy syndrome 2. Last evaluated: 2024-03-09. Review status: criteria provided, single submitter. Criteria: Invitae Variant Classification Sherloc (09022015). Collection method: clinical testing. Allele origin: germline.
Comment: This sequence change replaces lysine, which is basic and polar, with asparagine, which is neutral and polar, at codon 319 of the CEP57 protein (p.Lys319Asn). This variant is present in population databases (rs778515485, gnomAD 0.002%). This variant has not been reported in the literature in individuals affected with CEP57-related conditions. Advanced modeling of protein sequence and biophysical properties (such as structural, functional, and spatial information, amino acid conservation, physicochemical variation, residue mobility, and thermodynamic stability) performed at Invitae indicates that this missense variant is not expected to disrupt CEP57 protein function with a negative predictive value of 80%. In summary, the available evidence is currently insufficient to determine the role of this variant in disease. Therefore, it has been classified as a Variant of Uncertain Significance.

NM_014679.5(CEP57):c.957A>C (p.Lys319Asn)

Gene: CEP57 (centrosomal protein 57; plus strand). Cytogenetic location: 11q21.
Variant type: single nucleotide variant.
Coding change: c.957A>C on transcript NM_014679.5 (MANE Select); coding-DNA position 957, A replaced by C.
Protein change: p.Lys319Asn; replaces lysine 319 with asparagine.
Molecular consequence: missense variant.
Genome position (GRCh38, 1-based): chr11:95,827,857, A>C. VCF-style: chr11-95827857-A-C. GRCh37 (hg19) VCF-style: chr11-95561021-A-C.
Other names: c.930A>C, p.Lys310Asn (NM_001243776.2); c.879A>C, p.Lys293Asn (NM_001243777.2); c.876A>C, p.Lys292Asn (NM_001363604.2); c.957A>C (NM_014679.4); short protein forms K310N, K292N, K319N, K293N.
Identifiers: ClinVar variation 3721193 (VCV003721193.3).